The following is an entry in ClinVar:

ClinVar aggregate classification (germline): Pathogenic/Likely pathogenic. Review status: criteria provided, multiple submitters, no conflicts (2 of 4 stars). 4 submissions from 4 submitters: Pathogenic (2); Likely pathogenic (2). Last evaluated 2023-07-24.

Conditions:
Inborn genetic diseases. Identifiers: MedGen C0950123, MeSH D030342.
Pelizaeus-Merzbacher disease. Also called: Pelizeaus-Merzbacher spectrum disorder; Sudanophilic leukodystrophy; LEUKODYSTROPHY, HYPOMYELINATING, 1; Pelizaeus-Merzbacher spectrum disorder; Pelizaeus-Merzbacher Disease (PMD). Identifiers: Orphanet 702, MedGen C0205711, MONDO:0010714, OMIM 312080, HP:0003269.
Hereditary spastic paraplegia 2 (SPG2). Also called: SPASTIC PARAPLEGIA 2, X-LINKED; Spastic Paraplegia 2 (SPG2). Identifiers: Orphanet 99015, MedGen C0751604, MONDO:0010733, OMIM 312920.

Submissions (4):

GeneDx
Classification: Likely pathogenic. Last evaluated: 2023-07-24. Review status: criteria provided, single submitter. Criteria: GeneDx Variant Classification Process June 2021. Collection method: clinical testing. Allele origin: germline. Affected: yes.
Comment: Not observed in large population cohorts (gnomAD); Canonical splice site variant with an unclear effect on protein function; This variant is associated with the following publications: (PMID: 23771846)

Labcorp Genetics (formerly Invitae), Labcorp
Classification: Pathogenic for Hereditary spastic paraplegia 2. Last evaluated: 2023-07-21. Review status: criteria provided, single submitter. Criteria: Invitae Variant Classification Sherloc (09022015). Collection method: clinical testing. Allele origin: germline.
Comment: For these reasons, this variant has been classified as Pathogenic. This variant disrupts a region of the PLP1 protein in which other variant(s) (p.Leu224Phe) have been determined to be pathogenic (PMID: 23347225, 26786043). This suggests that this is a clinically significant region of the protein, and that variants that disrupt it are likely to be disease-causing. Studies have shown that disruption of this splice site results in the activation of a cryptic splice site in exon 5 (PMID: 23771846). ClinVar contains an entry for this variant (Variation ID: 985224). Disruption of this splice site has been observed in individual(s) with Pelizaeus-Merzbacher disease (PMID: 23771846). This variant is not present in population databases (gnomAD no frequency). This sequence change affects a donor splice site in intron 5 of the PLP1 gene. RNA analysis indicates that disruption of this splice site induces altered splicing and likely results in the loss of 14 amino acid residue(s), but is expected to preserve the integrity of the reading-frame.

Molecular Diagnostics Lab, Nemours Children's Health, Delaware
Classification: Pathogenic for Pelizaeus-Merzbacher disease. Last evaluated: 2022-01-24. Review status: criteria provided, single submitter. Criteria: ACMG Guidelines, 2015. Collection method: clinical testing. Allele origin: unknown, maternal. Inheritance: X-linked inheritance. Affected: no. Observed: 3 heterozygotes.
Comment: This intronic variant (c.696+1G>A) has not been observed in population databases (gnomAD). It has been described in the literature, and studies indicate an alteration in splicing that affects expression of functional PLP1 protein (PMID 23771846).

Ambry Genetics
Classification: Likely pathogenic for Inborn genetic diseases. Last evaluated: 2019-11-25. Review status: criteria provided, single submitter. Criteria: Ambry exome assertion method (8-5-2015). Collection method: clinical testing. Allele origin: germline. Affected: yes. Observed: 1 variant allele.

Literature cited by the submitters: PubMed 23347225 (cited by Labcorp Genetics (formerly Invitae), Labcorp); PubMed 26786043 (cited by Labcorp Genetics (formerly Invitae), Labcorp); PubMed 23771846 (cited by 3 submitters); PubMed 17962415 (cited by Ambry Genetics); PubMed 10401787 (cited by Ambry Genetics).

NM_000533.5(PLP1):c.696+1G>A

Genes: PLP1 (proteolipid protein 1; plus strand), RAB9B (RAB9B, member RAS oncogene family; minus strand). Cytogenetic location: Xq22.2.
Variant type: single nucleotide variant.
Coding change: c.696+1G>A on transcript NM_000533.5 (MANE Select); the canonical splice donor site of the intron after coding-DNA position 696, G replaced by A.
Molecular consequence: splice donor variant.
Genome position (GRCh38, 1-based): chrX:103,788,511, G>A. VCF-style: chrX-103788511-G-A. GRCh37 (hg19) VCF-style: chrX-103043440-G-A.
Other names: c.696+1G>A (NM_001128834.3); c.591+1G>A (NM_199478.3); c.531+1G>A (NM_001305004.1).
Identifiers: ClinVar variation 985224 (VCV000985224.8), dbSNP rs113897548, ClinGen allele CA414104455.